The following is an entry in ClinVar:

ClinVar aggregate classification (germline): Likely benign. Review status: criteria provided, multiple submitters, no conflicts (2 of 4 stars). 2 submissions from 2 submitters: Likely benign (2). Last evaluated 2026-09-01.

Submissions (2):

CeGaT Center for Human Genetics Tuebingen
Classification: Likely benign. Last evaluated: 2026-09-01. Review status: criteria provided, single submitter. Criteria: CeGaT Center For Human Genetics Tuebingen Variant Classification Criteria Version 2. Collection method: clinical testing. Allele origin: germline. Affected: yes. Observed: 1 variant allele.
Comment: KATNIP: BP4, BP7

Blueprint Genetics
Classification: Likely benign. Last evaluated: 2024-09-18. Review status: criteria provided, single submitter. Criteria: ACMG Guidelines, 2015. Collection method: clinical testing. Allele origin: germline.

NM_015202.5(KATNIP):c.4536G>A (p.Gly1512=)

Gene: KATNIP (katanin interacting protein; plus strand). Cytogenetic location: 16p12.1.
Variant type: single nucleotide variant.
Coding change: c.4536G>A on transcript NM_015202.5 (MANE Select); coding-DNA position 4536, G replaced by A.
Protein change: p.Gly1512=; no amino-acid change (glycine 1512 retained).
Molecular consequence: synonymous variant.
Genome position (GRCh38, 1-based): chr16:27,777,014, G>A. VCF-style: chr16-27777014-G-A. GRCh37 (hg19) VCF-style: chr16-27788335-G-A.
Identifiers: ClinVar variation 4929194 (VCV004929194.2).